The following is an entry in ClinVar:

NM_015340.4(LARS2):c.2278A>G (p.Ser760Gly)

Gene: LARS2 (leucyl-tRNA synthetase 2, mitochondrial; plus strand). Cytogenetic location: 3p21.31.
Variant type: single nucleotide variant.
Coding change: c.2278A>G on transcript NM_015340.4 (MANE Select); coding-DNA position 2278, A replaced by G.
Protein change: p.Ser760Gly; replaces serine 760 with glycine.
Molecular consequence: missense variant.
Genome position (GRCh38, 1-based): chr3:45,520,282, A>G. VCF-style: chr3-45520282-A-G. GRCh37 (hg19) VCF-style: chr3-45561774-A-G.
Other names: c.2278A>G, p.Ser760Gly (NM_001368263.1); short protein forms S760G.
Identifiers: ClinVar variation 228789 (VCV000228789.11), dbSNP rs781382275, ClinGen allele CA2349817.
Genomic context (GRCh38, chr3:45,520,282, plus strand): 5'-ACCACCCATTTCACAGAGGACTTCTCACTGAATTCTGCAATTTCTCAGCTGATGGGACTC[A>G]GCAATGCCCTCTCGGTAAGTGGCCTGTCCTCATTTGCTGGTAGCAGAGGAGGGAGGGAGA-3'
Protein context (NP_056155.1, residues 750-770): NSAISQLMGL[Ser760Gly]NALSQASQSV

ClinVar aggregate classification (germline): Uncertain significance. Review status: criteria provided, multiple submitters, no conflicts (2 of 4 stars). 4 submissions from 4 submitters: Uncertain significance (4). Last evaluated 2025-09-26.

Conditions:
Inborn genetic diseases. Identifiers: MedGen C0950123, MeSH D030342.

Allele frequency attached by ClinVar (database versions not stated): ExAC 0.00003; TOPMed 0.00005; gnomAD 0.00001 and 0.00002; gnomAD exomes 0.00001 and 0.00007.
gnomAD v4.1: 24 of 1,613,118 alleles (0.0015%); highest among the groups gnomAD compares: Admixed American, 0.037%; no homozygotes.

Submissions (4):

Ambry Genetics
Classification: Uncertain significance for Inborn genetic diseases. Last evaluated: 2025-09-26. Review status: criteria provided, single submitter. Criteria: Ambry Variant Classification Scheme 2023. Collection method: clinical testing. Allele origin: germline.

GeneDx
Classification: Uncertain significance. Last evaluated: 2024-12-16. Review status: criteria provided, single submitter. Criteria: GeneDx Variant Classification Process June 2021. Collection method: clinical testing. Allele origin: germline. Affected: yes.
Comment: In silico analysis supports that this missense variant has a deleterious effect on protein structure/function; Has not been previously published as pathogenic or benign to our knowledge

Labcorp Genetics (formerly Invitae), Labcorp
Classification: Uncertain significance. Last evaluated: 2024-11-11. Review status: criteria provided, single submitter. Criteria: Invitae Variant Classification Sherloc (09022015). Collection method: clinical testing. Allele origin: germline.
Comment: This sequence change replaces serine, which is neutral and polar, with glycine, which is neutral and non-polar, at codon 760 of the LARS2 protein (p.Ser760Gly). This variant is present in population databases (rs781382275, gnomAD 0.06%). This variant has not been reported in the literature in individuals affected with LARS2-related conditions. ClinVar contains an entry for this variant (Variation ID: 228789). Invitae Evidence Modeling of protein sequence and biophysical properties (such as structural, functional, and spatial information, amino acid conservation, physicochemical variation, residue mobility, and thermodynamic stability) indicates that this missense variant is not expected to disrupt LARS2 protein function with a negative predictive value of 80%. In summary, the available evidence is currently insufficient to determine the role of this variant in disease. Therefore, it has been classified as a Variant of Uncertain Significance.

Laboratory for Molecular Medicine, Mass General Brigham Personalized Medicine
Classification: Uncertain significance. Last evaluated: 2015-12-31. Review status: criteria provided, single submitter. Criteria: LMM Criteria. Collection method: clinical testing. Allele origin: germline. Observed: 1 variant allele.
Comment: The p.Ser760Gly variant in LARS2 has not been previously reported in individuals with hearing loss. It has been identified in 4/11572 Latino chromosomes by the Exome Aggregation Consortium (ExAC); however, i ts frequency is not high enough to rule out a pathogenic role. Computational pre diction tools and conservation analyses do not provide strong support for or aga inst an impact to the protein. In summary, the clinical significance of the p.Se r760Gly variant is uncertain.